The following is an entry in ClinVar:

NM_001312673.2(PCYT1A):c.983G>A (p.Arg328His)

Gene: PCYT1A (phosphate cytidylyltransferase 1A, choline; minus strand). Cytogenetic location: 3q29.
Variant type: single nucleotide variant.
Coding change: c.983G>A on transcript NM_001312673.2 (MANE Select); coding-DNA position 983, G replaced by A.
Protein change: p.Arg328His; replaces arginine 328 with histidine.
Molecular consequence: missense variant.
Genome position (GRCh38, 1-based): chr3:196,238,809, C>T on the plus strand (G>A on the coding strand, the complement: PCYT1A is on the minus strand). VCF-style: chr3-196238809-C-T. GRCh37 (hg19) VCF-style: chr3-195965680-C-T.
Other names: c.983G>A, p.Arg328His (NM_005017.4); short protein forms R328H.
Identifiers: ClinVar variation 837047 (VCV000837047.12), dbSNP rs199831548, ClinGen allele CA2779367.

ClinVar aggregate classification (germline): Conflicting classifications of pathogenicity. Review status: criteria provided, conflicting classifications (1 of 4 stars). 4 submissions from 4 submitters: Uncertain significance (1); Likely benign (2). 1 of the submissions does not count toward it. Last evaluated 2026-09-24.

Conditions:
PCYT1A-related disorder. Also called: PCYT1A-related condition.
Retinal dystrophy. Also called: Inherited retinal dystrophy. Identifiers: Orphanet 71862, MedGen C0854723, MeSH D058499, MONDO:0019118, HP:0000556.

Allele frequency attached by ClinVar (database versions not stated): ESP Exome Variant Server 0.00015; TOPMed 0.00021; gnomAD 0.00026 and 0.00027; gnomAD exomes 0.00029; 1000 Genomes Project 30x 0.00031; ExAC 0.00032; 1000 Genomes Project 0.00040.
gnomAD v4.1: 409 of 1,577,116 alleles (0.026%); highest among the groups gnomAD compares: Admixed American, 0.066%; 2 homozygotes.

Submissions (4):

PreventionGenetics, part of Exact Sciences
Classification: Likely benign for PCYT1A-related condition. Last evaluated: 2026-09-24. Review status: criteria provided, single submitter. Criteria: ACMG Guidelines, 2015. Collection method: clinical testing. Allele origin: germline.
Comment: This variant is classified as likely benign based on ACMG/AMP sequence variant interpretation guidelines (Richards et al. 2015 PMID: 25741868, with internal and published modifications).

Labcorp Genetics (formerly Invitae), Labcorp
Classification: Likely benign. Last evaluated: 2025-09-01. Review status: criteria provided, single submitter. Criteria: Invitae Variant Classification Sherloc (09022015). Collection method: clinical testing. Allele origin: germline.

Blueprint Genetics
Classification: Uncertain significance. Last evaluated: 2024-10-28. Review status: criteria provided, single submitter. Criteria: ACMG Guidelines, 2015. Collection method: clinical testing. Allele origin: germline.

Institute of Human Genetics, Univ. Regensburg, Univ. Regensburg
Classification: Uncertain significance for Retinal dystrophy. Last evaluated: 2019-01-01. Review status: no assertion criteria provided. Criteria: ACMG Guidelines, 2015. Collection method: clinical testing. Allele origin: germline. Affected: yes. Not counted in ClinVar's aggregate classification.